The following is an entry in ClinVar:

ClinVar aggregate classification (germline): Uncertain significance (1 of 4 stars; one submission).

Conditions:
Aortic valve disease 2 (AOVD2). Identifiers: MedGen C3542024, MONDO:0013902, OMIM 614823.

gnomAD v4.1: 2 of 1,607,974 alleles (0.00012%); highest among the groups gnomAD compares: Non-Finnish European, 0.00017%; no homozygotes.

Submission:

Labcorp Genetics (formerly Invitae), Labcorp
Classification: Uncertain significance for Aortic valve disease 2. Last evaluated: 2023-10-17. Review status: criteria provided, single submitter. Criteria: Invitae Variant Classification Sherloc (09022015). Collection method: clinical testing. Allele origin: germline.
Comment: This sequence change replaces glycine, which is neutral and non-polar, with cysteine, which is neutral and slightly polar, at codon 406 of the SMAD6 protein (p.Gly406Cys). This variant is not present in population databases (gnomAD no frequency). This missense change has been observed in individual(s) with thoracic aortic aneurysm and bicuspid aortic valve (PMID: 28659821). ClinVar contains an entry for this variant (Variation ID: 837569). Advanced modeling of protein sequence and biophysical properties (such as structural, functional, and spatial information, amino acid conservation, physicochemical variation, residue mobility, and thermodynamic stability) performed at Invitae indicates that this missense variant is not expected to disrupt SMAD6 protein function. In summary, the available evidence is currently insufficient to determine the role of this variant in disease. Therefore, it has been classified as a Variant of Uncertain Significance.

Literature cited by the submitters: PubMed 28659821.

NM_005585.5(SMAD6):c.1216G>T (p.Gly406Cys)

Gene: SMAD6 (SMAD family member 6; plus strand). Cytogenetic location: 15q22.31.
Variant type: single nucleotide variant.
Coding change: c.1216G>T on transcript NM_005585.5 (MANE Select); coding-DNA position 1216, G replaced by T.
Protein change: p.Gly406Cys; replaces glycine 406 with cysteine.
Molecular consequence: missense variant. On other transcripts: non-coding transcript variant (1).
Genome position (GRCh38, 1-based): chr15:66,781,260, G>T. VCF-style: chr15-66781260-G-T. GRCh37 (hg19) VCF-style: chr15-67073598-G-T.
Other names: short protein forms G406C.
Identifiers: ClinVar variation 837569 (VCV000837569.9), dbSNP rs539298543, ClinGen allele CA393202103.
Genomic context (GRCh38, chr15:66,781,260, plus strand): 5'-AAGATCGGCTTCGGCATCCTGCTCAGCAAGGAGCCCGACGGCGTGTGGGCCTACAACCGC[G>T]GCGAGCACCCCATCTTCGTCAACTCCCCGACGCTGGACGCGCCCGGCGGCCGCGCCCTGG-3'
Protein context (NP_005576.3, residues 396-416): EPDGVWAYNR[Gly406Cys]EHPIFVNSPT